The following is an entry in ClinVar:

ClinVar aggregate classification (germline): Uncertain significance. Review status: criteria provided, multiple submitters, no conflicts (2 of 4 stars). 4 submissions from 4 submitters: Uncertain significance (3). 1 of the submissions does not count toward it. Last evaluated 2025-03-04.

Conditions:
Cardiovascular phenotype. Identifiers: MedGen CN230736.
Alstrom syndrome (ALMS). Identifiers: Orphanet 64, MedGen C0268425, MONDO:0008763, OMIM 203800.

Allele frequency attached by ClinVar (database versions not stated): gnomAD 0.00002 and 0.00003; TOPMed 0.00006; ESP Exome Variant Server 0.00008; gnomAD exomes 0.00001; ExAC 0.00002.
gnomAD v4.1: 33 of 1,613,912 alleles (0.002%); highest among the groups gnomAD compares: Non-Finnish European, 0.0022%; no homozygotes.

Submissions (4):

Ambry Genetics
Classification: Uncertain significance for Cardiovascular phenotype. Last evaluated: 2025-03-04. Review status: criteria provided, single submitter. Criteria: Ambry Variant Classification Scheme 2023. Collection method: clinical testing. Allele origin: germline.
Comment: The p.I302T variant (also known as c.905T>C), located in coding exon 5 of the ALMS1 gene, results from a T to C substitution at nucleotide position 905. The isoleucine at codon 302 is replaced by threonine, an amino acid with similar properties. This amino acid position is not well conserved in available vertebrate species. In addition, the in silico prediction for this alteration is inconclusive. Based on the available evidence, the clinical significance of this variant remains unclear.

Labcorp Genetics (formerly Invitae), Labcorp
Classification: Uncertain significance for Alstrom syndrome. Last evaluated: 2022-05-04. Review status: criteria provided, single submitter. Criteria: Invitae Variant Classification Sherloc (09022015). Collection method: clinical testing. Allele origin: germline.
Comment: This sequence change replaces isoleucine, which is neutral and non-polar, with threonine, which is neutral and polar, at codon 302 of the ALMS1 protein (p.Ile302Thr). This variant is present in population databases (rs374259576, gnomAD 0.002%). This variant has not been reported in the literature in individuals affected with ALMS1-related conditions. ClinVar contains an entry for this variant (Variation ID: 555948). Algorithms developed to predict the effect of missense changes on protein structure and function output the following: SIFT: "Not Available"; PolyPhen-2: "Not Available"; Align-GVGD: "Not Available". The threonine amino acid residue is found in multiple mammalian species, which suggests that this missense change does not adversely affect protein function. In summary, the available evidence is currently insufficient to determine the role of this variant in disease. Therefore, it has been classified as a Variant of Uncertain Significance.

Center for Genomics, Ann and Robert H. Lurie Children's Hospital of Chicago
Classification: Uncertain significance for Alstrom syndrome. Last evaluated: 2021-03-30. Review status: criteria provided, single submitter. Criteria: ACMG Guidelines, 2015. Collection method: clinical testing. Allele origin: germline.
Comment: ALMS1 NM_015120.4 (ENST00000264448.6) exon 5 p.Ile301Thr (c.902T>C):This variant has not been reported in the literature but is present in 0.002% (3/128498) of European alleles in the Genome Aggregation Database. This variant is present in ClinVar (Variation ID:555948). This variant amino acid Threonine (Thr) is present in >15 species and is not well conserved among evolutionarily distant species; this suggests that this variant may not impact the protein. Additional computational prediction tools do not suggest an impact. In summary, data on this variant is insufficient for disease classification. Therefore, the clinical significance of this variant is uncertain.

Counsyl
Classification: Uncertain significance for Alstrom syndrome. Last evaluated: 2018-01-04. Review status: no assertion criteria provided. Collection method: clinical testing. Allele origin: unknown. Not counted in ClinVar's aggregate classification.

NM_001378454.1(ALMS1):c.902T>C (p.Ile301Thr)

Gene: ALMS1 (ALMS1 centrosome and basal body associated protein; plus strand). Cytogenetic location: 2p13.1.
Variant type: single nucleotide variant.
Coding change: c.902T>C on transcript NM_001378454.1 (MANE Select); coding-DNA position 902, T replaced by C.
Protein change: p.Ile301Thr; replaces isoleucine 301 with threonine.
Molecular consequence: missense variant.
Genome position (GRCh38, 1-based): chr2:73,424,567, T>C. VCF-style: chr2-73424567-T-C. GRCh37 (hg19) VCF-style: chr2-73651695-T-C.
Other names: c.905T>C, p.Ile302Thr (NM_015120.4); short protein forms I302T, I301T.
Identifiers: ClinVar variation 555948 (VCV000555948.6), dbSNP rs374259576, ClinGen allele CA1713009.